The following is an entry in ClinVar:

ClinVar aggregate classification (germline): Pathogenic (1 of 4 stars; one submission).

Submission:

CeGaT Center for Human Genetics Tuebingen
Classification: Pathogenic. Last evaluated: 2022-03-01. Review status: criteria provided, single submitter. Criteria: CeGaT Center For Human Genetics Tuebingen Variant Classification Criteria Version 2. Collection method: clinical testing. Allele origin: germline. Affected: yes. Observed: 1 variant allele.
Comment: NSD1: PVS1, PS2, PM2

NM_022455.5(NSD1):c.1034_1037dup (p.Leu346fs)

Gene: NSD1 (nuclear receptor binding SET domain protein 1; plus strand). Cytogenetic location: 5q35.3.
Variant type: Duplication.
Coding change: c.1034_1037dup on transcript NM_022455.5 (MANE Select); coding-DNA positions 1034 to 1037, 4 bases duplicated (CGTT; older notation c.1034_1037dupCGTT).
Protein change: p.Leu346fs; shifts the reading frame from leucine 346.
Molecular consequence: frameshift variant.
Genome position (GRCh38, 1-based): chr5:177,191,990-177,191,993, CGTT duplicated. VCF-style (leftmost placement, unchanged base first): chr5-177191989-C-CCGTT. GRCh37 (hg19) VCF-style: chr5-176618990-C-CCGTT.
Other names: c.161_164dup, p.Leu55Phefs (NM_001365684.2, NM_001409305.1, NM_001409306.1 and 4 more transcripts); c.1034_1037dup, p.Leu346Phefs (NM_001409301.1, NM_001409302.1, NM_001409303.1); c.614_617dup, p.Leu206Phefs (NM_001409304.1); short protein forms L346fs, L77fs.
Identifiers: ClinVar variation 1675999 (VCV001675999.33), dbSNP rs2149821358, ClinGen allele CA2573139453.